The following is an entry in ClinVar:

NM_000264.5(PTCH1):c.3958A>G (p.Arg1320Gly)

Gene: PTCH1 (patched 1; minus strand). Cytogenetic location: 9q22.32.
Variant type: single nucleotide variant.
Coding change: c.3958A>G on transcript NM_000264.5 (MANE Select); coding-DNA position 3958, A replaced by G.
Protein change: p.Arg1320Gly; replaces arginine 1320 with glycine.
Molecular consequence: missense variant. On other transcripts: non-coding transcript variant (1).
Genome position (GRCh38, 1-based): chr9:95,447,298, T>C on the plus strand (A>G on the coding strand, the complement: PTCH1 is on the minus strand). VCF-style: chr9-95447298-T-C. GRCh37 (hg19) VCF-style: chr9-98209580-T-C.
Other names: c.3760A>G, p.Arg1254Gly (NM_001083602.3); c.3955A>G, p.Arg1319Gly (NM_001083603.3); c.3505A>G, p.Arg1169Gly (NM_001083604.3, NM_001083605.3, NM_001083606.3 and 1 more transcripts); c.3802A>G, p.Arg1268Gly (NM_001354918.2); short protein forms R1268G, R1320G, R1169G, R1254G, R1319G.
Identifiers: ClinVar variation 933308 (VCV000933308.11), dbSNP rs1838027827, ClinGen allele CA374110595.

ClinVar aggregate classification (germline): Uncertain significance. Review status: criteria provided, multiple submitters, no conflicts (2 of 4 stars). 2 submissions from 2 submitters: Uncertain significance (2). Last evaluated 2024-02-22.

Conditions:
Gorlin syndrome. Also called: Nevoid Basal Cell Carcinoma Syndrome; Basal cell nevus syndrome. Identifiers: Orphanet 377, MedGen C0004779, MONDO:0007187.
Hereditary cancer-predisposing syndrome. Also called: Tumor predisposition; Hereditary neoplastic syndrome; Neoplastic Syndromes, Hereditary; Hereditary Cancer Syndrome. Identifiers: Orphanet 140162, MedGen C0027672, MeSH D009386, MONDO:0015356.

Submissions (2):

Ambry Genetics
Classification: Uncertain significance for Hereditary cancer-predisposing syndrome. Last evaluated: 2024-02-22. Review status: criteria provided, single submitter. Criteria: Ambry Variant Classification Scheme 2023. Collection method: clinical testing. Allele origin: germline.
Comment: The p.R1320G variant (also known as c.3958A>G), located in coding exon 23 of the PTCH1 gene, results from an A to G substitution at nucleotide position 3958. The arginine at codon 1320 is replaced by glycine, an amino acid with dissimilar properties. This amino acid position is conserved. In addition, the in silico prediction for this alteration is inconclusive. Based on the available evidence, the clinical significance of this alteration remains unclear.

Labcorp Genetics (formerly Invitae), Labcorp
Classification: Uncertain significance for Gorlin syndrome. Last evaluated: 2023-04-03. Review status: criteria provided, single submitter. Criteria: Invitae Variant Classification Sherloc (09022015). Collection method: clinical testing. Allele origin: germline.
Comment: This sequence change replaces arginine, which is basic and polar, with glycine, which is neutral and non-polar, at codon 1320 of the PTCH1 protein (p.Arg1320Gly). This variant is not present in population databases (gnomAD no frequency). This variant has not been reported in the literature in individuals affected with PTCH1-related conditions. ClinVar contains an entry for this variant (Variation ID: 933308). Advanced modeling of protein sequence and biophysical properties (such as structural, functional, and spatial information, amino acid conservation, physicochemical variation, residue mobility, and thermodynamic stability) performed at Invitae indicates that this missense variant is not expected to disrupt PTCH1 protein function. In summary, the available evidence is currently insufficient to determine the role of this variant in disease. Therefore, it has been classified as a Variant of Uncertain Significance.